The following is an entry in ClinVar:

NM_000498.3(CYP11B2):c.441T>A (p.Asp147Glu)

Genes: CYP11B2 (cytochrome P450 family 11 subfamily B member 2; minus strand), LOC106799834 (CYP11B2 recombination region; plus strand). Cytogenetic location: 8q24.3.
Variant type: single nucleotide variant.
Coding change: c.441T>A on transcript NM_000498.3 (MANE Select); coding-DNA position 441, T replaced by A.
Protein change: p.Asp147Glu; replaces aspartic acid 147 with glutamic acid.
Molecular consequence: missense variant.
Genome position (GRCh38, 1-based): chr8:142,915,200, A>T on the plus strand (T>A on the coding strand, the complement: CYP11B2 is on the minus strand). VCF-style: chr8-142915200-A-T. GRCh37 (hg19) VCF-style: chr8-143996616-A-T.
Other names: short protein forms D147E.
Identifiers: ClinVar variation 1593050 (VCV001593050.11), dbSNP rs151052374, ClinGen allele CA4906205.
Genomic context (GRCh38, chr8:142,915,200, plus strand): 5'-GTCCCTGGCCACTGCATCCACCATCGGGAGGAACCTCTGCACGGCCTTGGGCGACAGCAC[A>T]TCTGGGTTCAGCCGCAATCGGTTGAAGCGCCATTCAGGCCCATTCCTACAGAGGCCAGGG-3'
Protein context (NP_000489.3, residues 137-157): WRFNRLRLNP[Asp147Glu]VLSPKAVQRF

ClinVar aggregate classification (germline): Conflicting classifications of pathogenicity. Review status: criteria provided, conflicting classifications (1 of 4 stars). 4 submissions from 4 submitters: Uncertain significance (3); Likely benign (1). Last evaluated 2026-01-21.

Conditions:
Corticosterone 18-monooxygenase deficiency. Also called: 18 Hydroxylase deficiency; Aldosterone deficiency due to defect in 18 hydroxylase; Aldosterone deficiency 1; 18 alpha hydroxylase deficiency; Corticosterone methyloxidase type 1 deficiency; CMO 1 deficiency. Identifiers: Orphanet 427, MedGen C0268293, MONDO:0008751, OMIM 203400. Disease mechanism: loss of function.
Corticosterone methyloxidase type 2 deficiency. Also called: 18-OXIDASE DEFICIENCY; ALDOSTERONE DEFICIENCY DUE TO DEFICIENCY OF STEROID 18-OXIDASE; ALDOSTERONE DEFICIENCY II; CMO II DEFICIENCY; STEROID 18-OXIDASE DEFICIENCY. Identifiers: Orphanet 427, MedGen C3463917, MONDO:0012524, OMIM 610600. Disease mechanism: loss of function.

Allele frequency attached by ClinVar (database versions not stated): gnomAD 0.00009; gnomAD exomes 0.00011 and 0.00013; TOPMed 0.00014; ExAC 0.00021; ESP Exome Variant Server 0.00031.
gnomAD v4.1: 183 of 1,613,956 alleles (0.011%); highest among the groups gnomAD compares: Middle Eastern, 0.016%; no homozygotes.

Submissions (4):

Labcorp Genetics (formerly Invitae), Labcorp
Classification: Likely benign. Last evaluated: 2026-01-21. Review status: criteria provided, single submitter. Criteria: Invitae Variant Classification Sherloc (09022015). Collection method: clinical testing. Allele origin: germline.

Women's Health and Genetics/Laboratory Corporation of America, LabCorp
Classification: Uncertain significance. Last evaluated: 2025-11-12. Review status: criteria provided, single submitter. Criteria: LabCorp Variant Classification Summary - May 2015. Collection method: clinical testing. Allele origin: germline.
Comment: Variant summary: CYP11B2 c.441T>A (p.Asp147Glu) results in a conservative amino acid change in the encoded protein sequence. Algorithms developed to predict the effect of missense changes on protein structure and function all suggest that this variant is likely to be tolerated. The variant allele was found at a frequency of 0.00013 in 250952 control chromosomes. This frequency is not significantly higher than estimated for disease-causing variants in CYP11B2, allowing no conclusion about variant significance. To our knowledge, no occurrence of c.441T>A in individuals affected with Familial Hypoaldosteronism has been reported. Publications report experimental evidence evaluating an impact on protein function and found no damaging effect of this variant and instead that it resulted in increased enzyme activity compared to the WT protein in vitro (e.g. Fisher_2000, Bechtel_2002). The following publications have been ascertained in the context of this evaluation (PMID: 11856349, 10720073). ClinVar contains an entry for this variant (Variation ID: 1593050). Based on the evidence outlined above, the variant was classified as uncertain significance.

Blueprint Genetics
Classification: Uncertain significance. Last evaluated: 2024-09-18. Review status: criteria provided, single submitter. Criteria: ACMG Guidelines, 2015. Collection method: clinical testing. Allele origin: germline.

Fulgent Genetics
Classification: Uncertain significance for Corticosterone 18-monooxygenase deficiency; Corticosterone methyloxidase type 2 deficiency. Last evaluated: 2024-04-02. Review status: criteria provided, single submitter. Criteria: ACMG Guidelines, 2015. Collection method: clinical testing. Allele origin: germline.

Literature cited by the submitters: PubMed 11856349 (cited by Women's Health and Genetics/Laboratory Corporation of America, LabCorp); PubMed 10720073 (cited by Women's Health and Genetics/Laboratory Corporation of America, LabCorp).